The following is an entry in ClinVar:

ClinVar aggregate classification (germline): Uncertain significance (1 of 4 stars; one submission).

Submission:

GeneDx
Classification: Uncertain significance. Last evaluated: 2023-07-17. Review status: criteria provided, single submitter. Criteria: GeneDx Variant Classification Process June 2021. Collection method: clinical testing. Allele origin: germline. Affected: yes.
Comment: Has not been previously published as pathogenic or benign to our knowledge; Not observed at significant frequency in large population cohorts (gnomAD); In silico analysis supports that this missense variant has a deleterious effect on protein structure/function; This variant is associated with the following publications: (PMID: 25471517)

NM_005051.3(QARS1):c.851T>G (p.Ile284Ser)

Gene: QARS1 (glutaminyl-tRNA synthetase 1; minus strand). Cytogenetic location: 3p21.31.
Variant type: single nucleotide variant.
Coding change: c.851T>G on transcript NM_005051.3 (MANE Select); coding-DNA position 851, T replaced by G.
Protein change: p.Ile284Ser; replaces isoleucine 284 with serine.
Molecular consequence: missense variant. On other transcripts: non-coding transcript variant (1).
Genome position (GRCh38, 1-based): chr3:49,101,380, A>C on the plus strand (T>G on the coding strand, the complement: QARS1 is on the minus strand). VCF-style: chr3-49101380-A-C. GRCh37 (hg19) VCF-style: chr3-49138813-A-C.
Other names: c.818T>G, p.Ile273Ser (NM_001272073.2); short protein forms I273S, I284S.
Identifiers: ClinVar variation 2573677 (VCV002573677.1), dbSNP rs2471855189, ClinGen allele CA352714010.